The following is an entry in ClinVar:

NM_014159.7(SETD2):c.7270A>G (p.Ser2424Gly)

Gene: SETD2 (SET domain containing 2, histone lysine methyltransferase; minus strand). Cytogenetic location: 3p21.31.
Variant type: single nucleotide variant.
Coding change: c.7270A>G on transcript NM_014159.7 (MANE Select); coding-DNA position 7270, A replaced by G.
Protein change: p.Ser2424Gly; replaces serine 2424 with glycine.
Molecular consequence: missense variant. On other transcripts: non-coding transcript variant (1).
Genome position (GRCh38, 1-based): chr3:47,037,746, T>C on the plus strand (A>G on the coding strand, the complement: SETD2 is on the minus strand). VCF-style: chr3-47037746-T-C. GRCh37 (hg19) VCF-style: chr3-47079236-T-C.
Other names: c.7138A>G, p.Ser2380Gly (NM_001349370.3); short protein forms S2380G, S2424G.
Identifiers: ClinVar variation 841622 (VCV000841622.1), dbSNP rs751118723, ClinGen allele CA73783646.

ClinVar aggregate classification (germline): Uncertain significance (1 of 4 stars; one submission).

Conditions:
Luscan-Lumish syndrome. Identifiers: Orphanet 597738, MedGen C4085873, MONDO:0014791, OMIM 616831.

Submission:

Labcorp Genetics (formerly Invitae), Labcorp
Classification: Uncertain significance for Luscan-lumish syndrome. Last evaluated: 2019-05-02. Review status: criteria provided, single submitter. Criteria: Invitae Variant Classification Sherloc (09022015). Collection method: clinical testing. Allele origin: germline.
Comment: This sequence change replaces serine with glycine at codon 2424 of the SETD2 protein (p.Ser2424Gly). The serine residue is moderately conserved and there is a small physicochemical difference between serine and glycine. This variant is not present in population databases (ExAC no frequency). This variant has not been reported in the literature in individuals with SETD2-related disease. Algorithms developed to predict the effect of missense changes on protein structure and function do not agree on the potential impact of this missense change (SIFT: "Tolerated"; PolyPhen-2: "Possibly Damaging"; Align-GVGD: "Class C0"). Algorithms developed to predict the effect of sequence changes on RNA splicing suggest that this variant may create or strengthen a splice site, but this prediction has not been confirmed by published transcriptional studies. In summary, the available evidence is currently insufficient to determine the role of this variant in disease. Therefore, it has been classified as a Variant of Uncertain Significance.